The following is an entry in ClinVar:

ClinVar aggregate classification (germline): Uncertain significance (1 of 4 stars; one submission).

Conditions:
Hereditary cancer-predisposing syndrome. Also called: Neoplastic Syndromes, Hereditary; Tumor predisposition; Hereditary Cancer Syndrome; Hereditary neoplastic syndrome. Identifiers: Orphanet 140162, MedGen C0027672, MeSH D009386, MONDO:0015356.

Allele frequency attached by ClinVar (database versions not stated): gnomAD exomes below 0.00001.
gnomAD v4.1: 1 of 1,613,816 alleles (0.000062%); highest among the groups gnomAD compares: Non-Finnish European, 0.000085%; no homozygotes.

Submission:

Ambry Genetics
Classification: Uncertain significance for Hereditary cancer-predisposing syndrome. Last evaluated: 2021-07-05. Review status: criteria provided, single submitter. Criteria: Ambry Variant Classification Scheme 2023. Collection method: clinical testing. Allele origin: germline.
Comment: The p.G154V variant (also known as c.461G>T), located in coding exon 5 of the MRE11A gene, results from a G to T substitution at nucleotide position 461. The glycine at codon 154 is replaced by valine, an amino acid with dissimilar properties. This amino acid position is conserved. In addition, this alteration is predicted to be deleterious by in silico analysis. Since supporting evidence is limited at this time, the clinical significance of this alteration remains unclear.

NM_005591.4(MRE11):c.461G>T (p.Gly154Val)

Gene: MRE11 (MRE11 double strand break repair nuclease; minus strand). Cytogenetic location: 11q21.
Variant type: single nucleotide variant.
Coding change: c.461G>T on transcript NM_005591.4 (MANE Select); coding-DNA position 461, G replaced by T.
Protein change: p.Gly154Val; replaces glycine 154 with valine.
Molecular consequence: missense variant.
Genome position (GRCh38, 1-based): chr11:94,478,818, C>A on the plus strand (G>T on the coding strand, the complement: MRE11 is on the minus strand). VCF-style: chr11-94478818-C-A. GRCh37 (hg19) VCF-style: chr11-94211984-C-A.
Other names: c.461G>T, p.Gly154Val (NM_001330347.2, NM_005590.4); short protein forms G154V.
Identifiers: ClinVar variation 1799715 (VCV001799715.2), dbSNP rs2496556545, ClinGen allele CA382377571.